The following is an entry in ClinVar:

ClinVar aggregate classification (germline): Uncertain significance. Review status: criteria provided, multiple submitters, no conflicts (2 of 4 stars). 2 submissions from 2 submitters: Uncertain significance (2). Last evaluated 2025-03-02.

Allele frequency attached by ClinVar (database versions not stated): gnomAD exomes 0.00001.
gnomAD v4.1: 9 of 1,614,142 alleles (0.00056%); highest among the groups gnomAD compares: African/African-American, 0.0027%; no homozygotes.

Submissions (2):

Labcorp Genetics (formerly Invitae), Labcorp
Classification: Uncertain significance. Last evaluated: 2025-03-02. Review status: criteria provided, single submitter. Criteria: Invitae Variant Classification Sherloc (09022015). Collection method: clinical testing. Allele origin: germline.
Comment: This sequence change replaces serine, which is neutral and polar, with asparagine, which is neutral and polar, at codon 133 of the RINT1 protein (p.Ser133Asn). This variant is present in population databases (no rsID available, gnomAD 0.004%). This variant has not been reported in the literature in individuals affected with RINT1-related conditions. ClinVar contains an entry for this variant (Variation ID: 1736762). An algorithm developed to predict the effect of missense changes on protein structure and function outputs the following: PolyPhen-2: "Benign". The asparagine amino acid residue is found in multiple mammalian species, which suggests that this missense change does not adversely affect protein function. In summary, the available evidence is currently insufficient to determine the role of this variant in disease. Therefore, it has been classified as a Variant of Uncertain Significance.

Ambry Genetics
Classification: Uncertain significance. Last evaluated: 2024-04-04. Review status: criteria provided, single submitter. Criteria: Ambry Variant Classification Scheme 2023. Collection method: clinical testing. Allele origin: germline.
Comment: The p.S133N variant (also known as c.398G>A), located in coding exon 4 of the RINT1 gene, results from a G to A substitution at nucleotide position 398. The serine at codon 133 is replaced by asparagine, an amino acid with highly similar properties. This amino acid position is conserved. In addition, this alteration is predicted to be tolerated by in silico analysis. Since supporting evidence is limited at this time, the clinical significance of this alteration remains unclear.

NM_021930.6(RINT1):c.398G>A (p.Ser133Asn)

Gene: RINT1 (RAD50 interactor 1; plus strand). Cytogenetic location: 7q22.3.
Variant type: single nucleotide variant.
Coding change: c.398G>A on transcript NM_021930.6 (MANE Select); coding-DNA position 398, G replaced by A.
Protein change: p.Ser133Asn; replaces serine 133 with asparagine.
Molecular consequence: missense variant. On other transcripts: 5 prime UTR variant (3), non-coding transcript variant (1).
Genome position (GRCh38, 1-based): chr7:105,542,532, G>A. VCF-style: chr7-105542532-G-A. GRCh37 (hg19) VCF-style: chr7-105182979-G-A.
Other names: c.164G>A, p.Ser55Asn (NM_001346599.2); c.-622G>A (NM_001346600.2); c.-525G>A (NM_001346601.2); c.-145G>A (NM_001346603.2); short protein forms S133N, S55N.
Identifiers: ClinVar variation 1736762 (VCV001736762.4), dbSNP rs1488476155, ClinGen allele CA368803421.